The following is an entry in ClinVar:

NM_177438.3(DICER1):c.3533T>G (p.Leu1178Arg)

Gene: DICER1 (dicer 1, ribonuclease III; minus strand). Cytogenetic location: 14q32.13.
Variant type: single nucleotide variant.
Coding change: c.3533T>G on transcript NM_177438.3 (MANE Select); coding-DNA position 3533, T replaced by G.
Protein change: p.Leu1178Arg; replaces leucine 1178 with arginine.
Molecular consequence: missense variant. On other transcripts: non-coding transcript variant (6).
Genome position (GRCh38, 1-based): chr14:95,103,863, A>C on the plus strand (T>G on the coding strand, the complement: DICER1 is on the minus strand). VCF-style: chr14-95103863-A-C. GRCh37 (hg19) VCF-style: chr14-95570200-A-C.
Other names: c.1850T>G, p.Leu617Arg (NM_001395697.1); c.3533T>G, p.Leu1178Arg (NM_030621.4, NM_001195573.1, NM_001271282.3 and 13 more transcripts); c.3251T>G, p.Leu1084Arg (NM_001395686.1); c.3128T>G, p.Leu1043Arg (NM_001395687.1, NM_001395688.1, NM_001395689.1 and 2 more transcripts); c.2966T>G, p.Leu989Arg (NM_001395691.1); short protein forms L1043R, L1084R, L1178R, L617R, L989R.
Identifiers: ClinVar variation 1714284 (VCV001714284.6), dbSNP rs1412362102, ClinGen allele CA390875040.
Genomic context (GRCh38, chr14:95,103,863, plus strand): 5'-TGGCAAAAGTCTCTGTTAGCTAAATCATAACTGCCATTGGCGAGATTTTGATTGTAAGAA[A>C]GACCATTAATTGCTGTAAGATCTGCTGAAACTTCAACGTGGAGCTTACCAGGGGACTCGC-3'
Protein context (NP_803187.1, residues 1168-1188): VSADLTAING[Leu1178Arg]SYNQNLANGS

ClinVar aggregate classification (germline): Uncertain significance (1 of 4 stars; one submission).

Conditions:
DICER1-related tumor predisposition. Also called: DICER1 syndrome; DICER1-related pleuropulmonary blastoma cancer predisposition syndrome. Identifiers: Orphanet 284343, MedGen C3839822, MONDO:0100216.

Allele frequency attached by ClinVar (database versions not stated): TOPMed below 0.00001.

Submission:

Labcorp Genetics (formerly Invitae), Labcorp
Classification: Uncertain significance for DICER1-related tumor predisposition. Last evaluated: 2022-08-30. Review status: criteria provided, single submitter. Criteria: Invitae Variant Classification Sherloc (09022015). Collection method: clinical testing. Allele origin: germline.
Comment: This sequence change replaces leucine, which is neutral and non-polar, with arginine, which is basic and polar, at codon 1178 of the DICER1 protein (p.Leu1178Arg). This variant is not present in population databases (gnomAD no frequency). This variant has not been reported in the literature in individuals affected with DICER1-related conditions. Algorithms developed to predict the effect of missense changes on protein structure and function are either unavailable or do not agree on the potential impact of this missense change (SIFT: "Deleterious"; PolyPhen-2: "Benign"; Align-GVGD: "Class C25"). In summary, the available evidence is currently insufficient to determine the role of this variant in disease. Therefore, it has been classified as a Variant of Uncertain Significance.